The following is an entry in ClinVar:

ClinVar aggregate classification (germline): Pathogenic (1 of 4 stars; one submission).

Conditions:
Gorlin syndrome. Also called: Basal cell nevus syndrome; Nevoid Basal Cell Carcinoma Syndrome. Identifiers: Orphanet 377, MedGen C0004779, MONDO:0007187.

Submission:

Labcorp Genetics (formerly Invitae), Labcorp
Classification: Pathogenic for Gorlin syndrome. Last evaluated: 2021-03-27. Review status: criteria provided, single submitter. Criteria: Invitae Variant Classification Sherloc (09022015). Collection method: clinical testing. Allele origin: germline.
Comment: This sequence change creates a premature translational stop signal (p.Ala239Argfs*11) in the PTCH1 gene. It is expected to result in an absent or disrupted protein product. Loss-of-function variants in PTCH1 are known to be pathogenic (PMID: 16301862, 16419085). This variant is not present in population databases (ExAC no frequency). This variant has not been reported in the literature in individuals with PTCH1-related conditions. For these reasons, this variant has been classified as Pathogenic.

Literature cited by the submitters: PubMed 16301862; PubMed 16419085.

NM_000264.5(PTCH1):c.715del (p.Ala239fs)

Gene: PTCH1 (patched 1; minus strand). Cytogenetic location: 9q22.32.
Variant type: Deletion.
Coding change: c.715del on transcript NM_000264.5 (MANE Select); coding-DNA position 715, one base deleted (G; older notation c.715delG).
Protein change: p.Ala239fs; shifts the reading frame from alanine 239.
Molecular consequence: frameshift variant. On other transcripts: non-coding transcript variant (1).
Genome position (GRCh38, 1-based): chr9:95,481,980, C deleted on the plus strand (G on the coding strand, the reverse complement: PTCH1 is on the minus strand); the first of 4 consecutive C bases (chr9:95,481,980-95,481,983); deleting any one gives the same sequence. VCF-style (leftmost placement, unchanged base first): chr9-95481979-GC-G. GRCh37 (hg19) VCF-style: chr9-98244261-GC-G.
Other names: c.517del, p.Ala173fs (NM_001083602.3, NM_001354919.2); c.712del, p.Ala238fs (NM_001083603.3); c.262del, p.Ala88fs (NM_001083604.3, NM_001083605.3, NM_001083606.3 and 1 more transcripts); c.715del, p.Ala239fs (NM_001354918.2); short protein forms A238fs, A239fs, A88fs, A173fs.
Identifiers: ClinVar variation 1381839 (VCV001381839.6), dbSNP rs1131690971, ClinGen allele CA913187381.